The following is an entry in ClinVar:

NM_000079.4(CHRNA1):c.1151C>T (p.Ser384Phe)

Gene: CHRNA1 (cholinergic receptor nicotinic alpha 1 subunit; minus strand). Cytogenetic location: 2q31.1.
Variant type: single nucleotide variant.
Coding change: c.1151C>T on transcript NM_000079.4 (MANE Select); coding-DNA position 1151, C replaced by T.
Protein change: p.Ser384Phe; replaces serine 384 with phenylalanine.
Molecular consequence: missense variant.
Genome position (GRCh38, 1-based): chr2:174,748,671, G>A on the plus strand (C>T on the coding strand, the complement: CHRNA1 is on the minus strand). VCF-style: chr2-174748671-G-A. GRCh37 (hg19) VCF-style: chr2-175613399-G-A.
Other names: c.1226C>T, p.Ser409Phe (NM_001039523.3); short protein forms S409F, S384F.
Identifiers: ClinVar variation 2085818 (VCV002085818.4), dbSNP rs759182381, ClinGen allele CA349334641.

ClinVar aggregate classification (germline): Uncertain significance (1 of 4 stars; one submission).

Conditions:
Lethal multiple pterygium syndrome (LMPS). Identifiers: Orphanet 33108, MedGen C1854678, MONDO:0009668, OMIM 253290.

Allele frequency attached by ClinVar (database versions not stated): TOPMed 0.00001.
gnomAD v4.1: 4 of 1,614,260 alleles (0.00025%); highest among the groups gnomAD compares: Admixed American, 0.0067%; no homozygotes.

Submission:

Labcorp Genetics (formerly Invitae), Labcorp
Classification: Uncertain significance for Lethal multiple pterygium syndrome. Last evaluated: 2022-08-15. Review status: criteria provided, single submitter. Criteria: Invitae Variant Classification Sherloc (09022015). Collection method: clinical testing. Allele origin: germline.
Comment: This variant has not been reported in the literature in individuals affected with CHRNA1-related conditions. Advanced modeling of protein sequence and biophysical properties (such as structural, functional, and spatial information, amino acid conservation, physicochemical variation, residue mobility, and thermodynamic stability) performed at Invitae indicates that this missense variant is not expected to disrupt CHRNA1 protein function. In summary, the available evidence is currently insufficient to determine the role of this variant in disease. Therefore, it has been classified as a Variant of Uncertain Significance. This sequence change replaces serine, which is neutral and polar, with phenylalanine, which is neutral and non-polar, at codon 384 of the CHRNA1 protein (p.Ser384Phe). This variant is present in population databases (no rsID available, gnomAD 0.009%).